The following is an entry in ClinVar:

ClinVar aggregate classification (germline): Pathogenic (1 of 4 stars; one submission).

Conditions:
Wilson disease (WND). Also called: Wilson's disease. Identifiers: Orphanet 905, MedGen C0019202, MONDO:0010200, OMIM 277900. Disease mechanism: loss of function.

Submission:

Natera, Inc.
Classification: Pathogenic for Wilson disease. Last evaluated: 2025-07-03. Review status: criteria provided, single submitter. Criteria: Natera Variant Classification Schema (03/2026). Collection method: clinical testing. Allele origin: germline.
Comment: The c.3532_3535del variant in ATP7B is a frameshift variant predicted to shift the reading frame beginning at codon 1178 and leads to a stop codon 13 codons downstream. This variant is expected to result in nonsense mediated decay, truncation, or a dysfunctional protein product. This variant is rare in the general population with a frequency below the threshold expected for the associated phenotype(s). This variant has been observed in one or more individuals affected with the associated recessive disease, as either homozygous or compound heterozygous with a second variant (PMID: 35470480). Given the available evidence, this variant is classified as Pathogenic.

Literature cited by the submitters: PubMed 35470480.

NM_000053.4(ATP7B):c.3532_3535del (p.Thr1178fs)

Gene: ATP7B (ATPase copper transporting beta; minus strand). Cytogenetic location: 13q14.3.
Variant type: Microsatellite.
Coding change: c.3532_3535del on transcript NM_000053.4 (MANE Select); coding-DNA positions 3532 to 3535, 4 bases deleted (ACAG; older notation c.3532_3535delACAG).
Protein change: p.Thr1178fs; shifts the reading frame from threonine 1178.
Molecular consequence: frameshift variant. On other transcripts: intron variant (2).
Genome position (GRCh38, 1-based): chr13:51,941,102-51,941,105, CTGT deleted on the plus strand (ACAG on the coding strand, the reverse complement: ATP7B is on the minus strand); deleting any 4 consecutive bases within chr13:51,941,102-51,941,110 gives the same sequence; the c. name uses the placement nearest the transcript's 3' end. VCF-style (leftmost placement, unchanged base first): chr13-51941101-GCTGT-G. GRCh37 (hg19) VCF-style: chr13-52515237-GCTGT-G.
Other names: c.2911_2914del, p.Thr971fs (NM_001005918.3); c.3199_3202del, p.Thr1067fs (NM_001243182.2); c.3298_3301del, p.Thr1100fs (NM_001330578.2, NM_001406527.1, NM_001406528.1); c.3280_3283del, p.Thr1094fs (NM_001330579.2, NM_001406531.1, NM_001406532.1); c.3532_3535del, p.Thr1178fs (NM_001406511.1, NM_001406512.1, NM_001406526.1); c.3526_3529del, p.Thr1176fs (NM_001406513.1); c.3499_3502del, p.Thr1167fs (NM_001406514.1); c.3478_3481del, p.Thr1160fs (NM_001406515.1, NM_001406516.1); and 20 more; short protein forms T1016fs, T1029fs, T1035fs, T1065fs, T1067fs, T1068fs, T1082fs, T1094fs.
Identifiers: ClinVar variation 4815423 (VCV004815423.1).